The following is an entry in ClinVar:

ClinVar aggregate classification (germline): Conflicting classifications of pathogenicity. Review status: criteria provided, conflicting classifications (1 of 4 stars). 5 submissions from 5 submitters: Uncertain significance (4); Likely benign (1). Last evaluated 2026-01-26.

Conditions:
Polymerase proofreading-related adenomatous polyposis. Also called: Polymerase proofreading associated polyposis; Polymerase proofreading–associated polyposis (PPAP). Identifiers: Orphanet 447877, MedGen C5202613, MONDO:0018653.
Facial dysmorphism-immunodeficiency-livedo-short stature syndrome. Also called: Facial dysmorphism, immunodeficiency, livedo, and short stature; FILS syndrome. Identifiers: Orphanet 352712, MedGen C3554576, MONDO:0014058, OMIM 615139.
Colorectal cancer, susceptibility to, 12 (CRCS12). Also called: COLORECTAL CANCER, SUSCEPTIBILITY TO, ON CHROMOSOME 12q24. Identifiers: Orphanet 220460, MedGen C3554460, MONDO:0014038, OMIM 615083.
Intrauterine growth retardation, metaphyseal dysplasia, adrenal hypoplasia congenita, genital anomalies, and immunodeficiency. Also called: IMAGEI SYNDROME. Identifiers: MedGen C5193036, MONDO:0032684, OMIM 618336.
Hereditary cancer-predisposing syndrome. Also called: Tumor predisposition; Hereditary neoplastic syndrome; Hereditary Cancer Syndrome; Neoplastic Syndromes, Hereditary. Identifiers: Orphanet 140162, MedGen C0027672, MeSH D009386, MONDO:0015356.

Allele frequency attached by ClinVar (database versions not stated): gnomAD 0.00001 and 0.00002; gnomAD exomes 0.00001 and 0.00002; TOPMed 0.00002; ESP Exome Variant Server 0.00008; ExAC 0.00002.
gnomAD v4.1: 28 of 1,613,748 alleles (0.0017%); highest among the groups gnomAD compares: Admixed American, 0.0033%; no homozygotes.

Submissions (5):

Labcorp Genetics (formerly Invitae), Labcorp
Classification: Likely benign. Last evaluated: 2026-01-26. Review status: criteria provided, single submitter. Criteria: Invitae Variant Classification Sherloc (09022015). Collection method: clinical testing. Allele origin: germline.

Ambry Genetics
Classification: Uncertain significance for Hereditary cancer-predisposing syndrome. Last evaluated: 2026-01-07. Review status: criteria provided, single submitter. Criteria: Ambry Variant Classification Scheme 2023. Collection method: clinical testing. Allele origin: germline.
Comment: The c.2706+5G>A intronic variant results from a G to A substitution 5 nucleotides after coding exon 23 in the POLE gene. This nucleotide position is well conserved in available vertebrate species. In silico splice site analysis predicts that this alteration will not have any significant effect on splicing. Based on the available evidence, the clinical significance of this variant remains unclear.

Fulgent Genetics
Classification: Uncertain significance for Colorectal cancer, susceptibility to, 12; Facial dysmorphism-immunodeficiency-livedo-short stature syndrome; Intrauterine growth retardation, metaphyseal dysplasia, adrenal hypoplasia congenita, genital anomalies, and immunodeficiency. Last evaluated: 2024-05-17. Review status: criteria provided, single submitter. Criteria: ACMG Guidelines, 2015. Collection method: clinical testing. Allele origin: germline.

GeneDx
Classification: Uncertain significance. Last evaluated: 2024-03-28. Review status: criteria provided, single submitter. Criteria: GeneDx Variant Classification Process June 2021. Collection method: clinical testing. Allele origin: germline. Affected: yes.
Comment: Not observed at significant frequency in large population cohorts (gnomAD); In silico analysis supports that this variant does not alter splicing; Has not been previously published as pathogenic or benign to our knowledge

Department of Pathology and Laboratory Medicine, Sinai Health System
Classification: Uncertain significance for Polymerase proofreading-related adenomatous polyposis. Last evaluated: 2022-08-04. Review status: criteria provided, single submitter. Criteria: ACMG Guidelines, 2015. Collection method: clinical testing. Allele origin: germline. Affected: yes.

NM_006231.4(POLE):c.2706+5G>A

Gene: POLE (DNA polymerase epsilon, catalytic subunit; minus strand). Cytogenetic location: 12q24.33.
Variant type: single nucleotide variant.
Coding change: c.2706+5G>A on transcript NM_006231.4 (MANE Select); 5 bases into the intron after coding-DNA position 2706, G replaced by A.
Molecular consequence: intron variant.
Genome position (GRCh38, 1-based): chr12:132,663,999, C>T on the plus strand (G>A on the coding strand, the complement: POLE is on the minus strand). VCF-style: chr12-132663999-C-T. GRCh37 (hg19) VCF-style: chr12-133240585-C-T.
Identifiers: ClinVar variation 221094 (VCV000221094.18), dbSNP rs375931088, ClinGen allele CA349812.